The following is an entry in ClinVar:

ClinVar aggregate classification (germline): Uncertain significance. Review status: criteria provided, multiple submitters, no conflicts (2 of 4 stars). 2 submissions from 2 submitters: Uncertain significance (2). Last evaluated 2025-07-15.

Conditions:
Inborn genetic diseases. Identifiers: MedGen C0950123, MeSH D030342.

Allele frequency attached by ClinVar (database versions not stated): gnomAD 0.00001; ExAC 0.00002; gnomAD exomes 0.00002 and 0.00003; TOPMed 0.00004.
gnomAD v4.1: 18 of 1,614,054 alleles (0.0011%); highest among the groups gnomAD compares: Admixed American, 0.013%; no homozygotes.

Submissions (2):

Labcorp Genetics (formerly Invitae), Labcorp
Classification: Uncertain significance. Last evaluated: 2025-07-15. Review status: criteria provided, single submitter. Criteria: Invitae Variant Classification Sherloc (09022015). Collection method: clinical testing. Allele origin: germline.
Comment: This sequence change replaces threonine, which is neutral and polar, with alanine, which is neutral and non-polar, at codon 454 of the DIP2C protein (p.Thr454Ala). This variant is present in population databases (rs770126915, gnomAD 0.01%). This variant has not been reported in the literature in individuals affected with DIP2C-related conditions. ClinVar contains an entry for this variant (Variation ID: 1440781). An algorithm developed to predict the effect of missense changes on protein structure and function (PolyPhen-2) suggests that this variant is likely to be tolerated. In summary, the available evidence is currently insufficient to determine the role of this variant in disease. Therefore, it has been classified as a Variant of Uncertain Significance.

Ambry Genetics
Classification: Uncertain significance for Inborn genetic diseases. Last evaluated: 2024-06-30. Review status: criteria provided, single submitter. Criteria: Ambry Variant Classification Scheme 2023. Collection method: clinical testing. Allele origin: germline.

NM_014974.3(DIP2C):c.1360A>G (p.Thr454Ala)

Gene: DIP2C (DIP2 acetate--CoA ligase C (putative); minus strand). Cytogenetic location: 10p15.3.
Variant type: single nucleotide variant.
Coding change: c.1360A>G on transcript NM_014974.3 (MANE Select); coding-DNA position 1360, A replaced by G.
Protein change: p.Thr454Ala; replaces threonine 454 with alanine.
Molecular consequence: missense variant.
Genome position (GRCh38, 1-based): chr10:390,764, T>C on the plus strand (A>G on the coding strand, the complement: DIP2C is on the minus strand). VCF-style: chr10-390764-T-C. GRCh37 (hg19) VCF-style: chr10-436704-T-C.
Other names: c.1360A>G (NM_014974.2); short protein forms T454A.
Identifiers: ClinVar variation 1440781 (VCV001440781.9), dbSNP rs770126915, ClinGen allele CA5380961.
Genomic context (GRCh38, chr10:390,764, plus strand): 5'-GTGGGCATGCGAGCTCTCGGAGGCTCGGTGGCTTACCTTTAAACTGTGGGATCTCTCCCG[T>C]TGGGCTTTTTGGAAGTCCTTTATGGCAGGCGTCACTAGTCAAGGCTACAGTAACTCCACA-3'
Protein context (NP_055789.1, residues 444-464): ACHKGLPKSP[Thr454Ala]GEIPQFKGWP